The following is an entry in ClinVar:

NM_001042413.2(GLIS3):c.232C>G (p.Arg78Gly)

Gene: GLIS3 (GLIS family zinc finger 3; minus strand). Cytogenetic location: 9p24.2.
Variant type: single nucleotide variant.
Coding change: c.232C>G on transcript NM_001042413.2 (MANE Select); coding-DNA position 232, C replaced by G.
Protein change: p.Arg78Gly; replaces arginine 78 with glycine.
Molecular consequence: missense variant. On other transcripts: 5 prime UTR variant (2), intron variant (3).
Genome position (GRCh38, 1-based): chr9:4,286,194, G>C on the plus strand (C>G on the coding strand, the complement: GLIS3 is on the minus strand). VCF-style: chr9-4286194-G-C. GRCh37 (hg19) VCF-style: chr9-4286194-G-C.
Other names: c.232C>G, p.Arg78Gly (NM_001438906.1, NM_001438907.1, NM_001438908.1 and 2 more transcripts); c.-227C>G (NM_001438911.1, NM_001438916.1); c.-71+13227C>G (NM_001438912.1); c.-78+13227C>G (NM_001438909.1, NM_001438915.1); short protein forms R78G.
Identifiers: ClinVar variation 393419 (VCV000393419.20), dbSNP rs148168366, ClinGen allele CA4968652.

ClinVar aggregate classification (germline): Conflicting classifications of pathogenicity. Review status: criteria provided, conflicting classifications (1 of 4 stars). 6 submissions from 6 submitters: Uncertain significance (2); Uncertain risk allele (1); Benign (1); Likely benign (1). 1 of the submissions does not count toward it. Last evaluated 2019-12-31.

Conditions:
GLIS3-related disorder. Also called: GLIS3-related condition.
Monogenic diabetes. Identifiers: Orphanet 183625, MedGen C3888631, MONDO:0015967.
Neonatal diabetes mellitus with congenital hypothyroidism. Also called: NDH SYNDROME. Identifiers: Orphanet 79118, MedGen C1857775, MONDO:0012436, OMIM 610199.

Allele frequency attached by ClinVar (database versions not stated): ESP Exome Variant Server 0.00152; gnomAD 0.00178; 1000 Genomes Project 0.00140; TOPMed 0.00174; 1000 Genomes Project 30x 0.00172.
gnomAD v4.1: 465 of 1,614,192 alleles (0.029%); highest among the groups gnomAD compares: African/African-American, 0.51%; no homozygotes.

Submissions (6):

Labcorp Genetics (formerly Invitae), Labcorp
Classification: Benign. Last evaluated: 2019-12-31. Review status: criteria provided, single submitter. Criteria: Invitae Variant Classification Sherloc (09022015). Collection method: clinical testing. Allele origin: germline.

Illumina Laboratory Services, Illumina
Classification: Likely benign for Neonatal diabetes mellitus with congenital hypothyroidism. Last evaluated: 2018-01-12. Review status: criteria provided, single submitter. Criteria: ICSL Variant Classification Criteria 13 December 2019. Collection method: clinical testing. Allele origin: germline.
Comment: This variant was observed in the ICSL laboratory as part of a predisposition screen in an ostensibly healthy population. It had not been previously curated by ICSL or reported in the Human Gene Mutation Database (HGMD: prior to June 1st, 2018), and was therefore a candidate for classification through an automated scoring system. Utilizing variant allele frequency, disease prevalence and penetrance estimates, and inheritance mode, an automated score was calculated to assess if this variant is too frequent to cause the disease. Based on the score and internal cut-off values, a variant classified as likely benign is not then subjected to further curation. The score for this variant resulted in a classification of likely benign for this disease.

Personalized Diabetes Medicine Program, University of Maryland School of Medicine
Classification: Uncertain significance for Monogenic diabetes. Last evaluated: 2017-12-01. Review status: criteria provided, single submitter. Criteria: ACMG Guidelines, 2015. Collection method: research. Allele origin: unknown. Observed: 2 variant alleles, 2 heterozygotes.
Comment: ACMG criteria: PP3 (2 predictors), BP4 (8 predictors)= VUS

Eurofins Ntd Llc (ga)
Classification: Uncertain significance. Last evaluated: 2016-11-09. Review status: criteria provided, single submitter. Criteria: EGL Classification Definitions 2015. Collection method: clinical testing. Allele origin: germline. Observed: 1 variant allele, 1 heterozygote.

Clinical Genomics, Uppaluri K&H Personalized Medicine Clinic
Classification: Uncertain risk allele for Neonatal diabetes mellitus with congenital hypothyroidism. Review status: criteria provided, single submitter. Criteria: K & H Uppaluri Personalized Medicine Clinic Variant Classification & Assertion Criteria_Updated V.1. Collection method: research. Allele origin: unknown.
Comment: Potent mutations in GLIS3 predisposes to neonatal diabetes mellitus with an extra pancreatic manifestation of hypothyroidism. It also predisposes to early onset diabetes in adults.However no sufficient evidence is found to ascertain the role of this particular variant rs148168366, yet.

PreventionGenetics, part of Exact Sciences
Classification: Likely benign for GLIS3-related condition. Last evaluated: 2021-03-01. Review status: no assertion criteria provided. Collection method: clinical testing. Allele origin: germline. Not counted in ClinVar's aggregate classification.
Comment: This variant is classified as likely benign based on ACMG/AMP sequence variant interpretation guidelines (Richards et al. 2015 PMID: 25741868, with internal and published modifications).

Literature cited by the submitters: PubMed 32693112 (cited by Clinical Genomics, Uppaluri K&H Personalized Medicine Clinic); PubMed 27899417 (cited by Clinical Genomics, Uppaluri K&H Personalized Medicine Clinic); PubMed 29992946 (cited by Clinical Genomics, Uppaluri K&H Personalized Medicine Clinic); PubMed 35394098 (cited by Clinical Genomics, Uppaluri K&H Personalized Medicine Clinic); PubMed 29146476 (cited by Clinical Genomics, Uppaluri K&H Personalized Medicine Clinic).